The following is an entry in ClinVar:

ClinVar aggregate classification (germline): Pathogenic (1 of 4 stars; one submission).

Allele frequency attached by ClinVar (database versions not stated): gnomAD exomes below 0.00001.
gnomAD v4.1: 6 of 1,613,950 alleles (0.00037%); highest among the groups gnomAD compares: Non-Finnish European, 0.00051%; no homozygotes.

Submission:

Labcorp Genetics (formerly Invitae), Labcorp
Classification: Pathogenic. Last evaluated: 2023-03-30. Review status: criteria provided, single submitter. Criteria: Invitae Variant Classification Sherloc (09022015). Collection method: clinical testing. Allele origin: germline.
Comment: This sequence change creates a premature translational stop signal (p.Gln182*) in the SAG gene. It is expected to result in an absent or disrupted protein product. Loss-of-function variants in SAG are known to be pathogenic (PMID: 9452120, 15234147, 22665972). This variant is not present in population databases (gnomAD no frequency). This variant has not been reported in the literature in individuals affected with SAG-related conditions. For these reasons, this variant has been classified as Pathogenic.

Literature cited by the submitters: PubMed 9452120; PubMed 15234147; PubMed 22665972.

NM_000541.5(SAG):c.544C>T (p.Gln182Ter)

Gene: SAG (S-antigen visual arrestin; plus strand). Cytogenetic location: 2q37.1.
Variant type: single nucleotide variant.
Coding change: c.544C>T on transcript NM_000541.5 (MANE Select); coding-DNA position 544, C replaced by T.
Protein change: p.Gln182Ter; replaces glutamine 182 with a stop codon.
Molecular consequence: nonsense.
Genome position (GRCh38, 1-based): chr2:233,328,509, C>T. VCF-style: chr2-233328509-C-T. GRCh37 (hg19) VCF-style: chr2-234237155-C-T.
Other names: short protein forms Q182*.
Identifiers: ClinVar variation 2851019 (VCV002851019.3), dbSNP rs2469789534, ClinGen allele CA351047365.